The following is an entry in ClinVar:

ClinVar aggregate classification (germline): Uncertain significance. Review status: criteria provided, multiple submitters, no conflicts (2 of 4 stars). 2 submissions from 2 submitters: Uncertain significance (2). Last evaluated 2024-06-12.

Conditions:
Neurofibromatosis, type 1 (NF1). Also called: VON RECKLINGHAUSEN DISEASE; Neurofibromatosis, type I; NEUROFIBROMATOSIS, TYPE I, SOMATIC; Peripheral type neurofibromatosis. Identifiers: Orphanet 636, MedGen C0027831, MONDO:0018975, OMIM 162200. Disease mechanism: loss of function.

Submissions (2):

Labcorp Genetics (formerly Invitae), Labcorp
Classification: Uncertain significance for Neurofibromatosis, type 1. Last evaluated: 2024-06-12. Review status: criteria provided, single submitter. Criteria: Invitae Variant Classification Sherloc (09022015). Collection method: clinical testing. Allele origin: germline.
Comment: This sequence change replaces histidine, which is basic and polar, with glutamine, which is neutral and polar, at codon 1700 of the NF1 protein (p.His1700Gln). This variant is not present in population databases (gnomAD no frequency). This variant has not been reported in the literature in individuals affected with NF1-related conditions. Advanced modeling of protein sequence and biophysical properties (such as structural, functional, and spatial information, amino acid conservation, physicochemical variation, residue mobility, and thermodynamic stability) has been performed at Invitae for this missense variant, however the output from this modeling did not meet the statistical confidence thresholds required to predict the impact of this variant on NF1 protein function. In summary, the available evidence is currently insufficient to determine the role of this variant in disease. Therefore, it has been classified as a Variant of Uncertain Significance.

GeneDx
Classification: Uncertain significance. Last evaluated: 2023-07-31. Review status: criteria provided, single submitter. Criteria: GeneDx Variant Classification Process June 2021. Collection method: clinical testing. Allele origin: germline. Affected: yes.
Comment: Not observed at significant frequency in large population cohorts (gnomAD); In silico analysis supports that this missense variant does not alter protein structure/function; Has not been previously published as pathogenic or benign to our knowledge

NM_001042492.3(NF1):c.5163T>G (p.His1721Gln)

Gene: NF1 (neurofibromin 1; plus strand). Cytogenetic location: 17q11.2.
Variant type: single nucleotide variant.
Coding change: c.5163T>G on transcript NM_001042492.3 (MANE Select); coding-DNA position 5163, T replaced by G.
Protein change: p.His1721Gln; replaces histidine 1721 with glutamine.
Molecular consequence: missense variant.
Genome position (GRCh38, 1-based): chr17:31,326,147, T>G. VCF-style: chr17-31326147-T-G. GRCh37 (hg19) VCF-style: chr17-29653165-T-G.
Other names: c.5100T>G, p.His1700Gln (NM_000267.4); short protein forms H1700Q, H1721Q.
Identifiers: ClinVar variation 2763309 (VCV002763309.4), dbSNP rs267604792, ClinGen allele CA289377349.
Genomic context (GRCh38, chr17:31,326,147, plus strand): 5'-AGGTAGCAAAAGGCTTGTTTTCATAGACTGTCCTGGGAAACTGGCTGAGCACATAGAGCA[T>G]GAACAACAGAAACTACCTGCTGCCACCTTGGCTTTAGAAGAGGACCTGAAGGTATTCCAC-3'
Protein context (NP_001035957.1, residues 1711-1731): CPGKLAEHIE[His1721Gln]EQQKLPAATL